The following is an entry in ClinVar:

NM_005720.4(ARPC1B):c.250C>T (p.Arg84Cys)

Gene: ARPC1B (actin related protein 2/3 complex subunit 1B; plus strand). Cytogenetic location: 7q22.1.
Variant type: single nucleotide variant.
Coding change: c.250C>T on transcript NM_005720.4 (MANE Select); coding-DNA position 250, C replaced by T.
Protein change: p.Arg84Cys; replaces arginine 84 with cysteine.
Molecular consequence: missense variant.
Genome position (GRCh38, 1-based): chr7:99,388,119, C>T. VCF-style: chr7-99388119-C-T. GRCh37 (hg19) VCF-style: chr7-98985742-C-T.
Other names: short protein forms R84C.
Identifiers: ClinVar variation 1395196 (VCV001395196.7), dbSNP rs142309872, ClinGen allele CA4363962.

ClinVar aggregate classification (germline): Uncertain significance (1 of 4 stars; one submission).

Allele frequency attached by ClinVar (database versions not stated): gnomAD exomes below 0.00001 and 0.00001; TOPMed 0.00001; ExAC 0.00002; gnomAD 0.00002; ESP Exome Variant Server 0.00008.
gnomAD v4.1: 7 of 1,614,054 alleles (0.00043%); highest among the groups gnomAD compares: African/African-American, 0.004%; no homozygotes.

Submission:

Labcorp Genetics (formerly Invitae), Labcorp
Classification: Uncertain significance. Last evaluated: 2020-12-04. Review status: criteria provided, single submitter. Criteria: Invitae Variant Classification Sherloc (09022015). Collection method: clinical testing. Allele origin: germline.
Comment: This sequence change replaces arginine with cysteine at codon 84 of the ARPC1B protein (p.Arg84Cys). The arginine residue is weakly conserved and there is a large physicochemical difference between arginine and cysteine. This variant is present in population databases (rs142309872, ExAC 0.01%). This variant has not been reported in the literature in individuals with ARPC1B-related conditions. Algorithms developed to predict the effect of missense changes on protein structure and function are either unavailable or do not agree on the potential impact of this missense change (SIFT: "Deleterious"; PolyPhen-2: "Benign"; Align-GVGD: "Class C15"). In summary, the available evidence is currently insufficient to determine the role of this variant in disease. Therefore, it has been classified as a Variant of Uncertain Significance.